The following is an entry in ClinVar:

ClinVar aggregate classification (germline): Uncertain significance (1 of 4 stars; one submission).

Conditions:
Neurofibromatosis, type 1 (NF1). Also called: NEUROFIBROMATOSIS, TYPE I, SOMATIC; Neurofibromatosis, type I; VON RECKLINGHAUSEN DISEASE; Peripheral type neurofibromatosis. Identifiers: Orphanet 636, MedGen C0027831, MONDO:0018975, OMIM 162200. Disease mechanism: loss of function.

Submission:

Labcorp Genetics (formerly Invitae), Labcorp
Classification: Uncertain significance for Neurofibromatosis, type 1. Last evaluated: 2020-07-08. Review status: criteria provided, single submitter. Criteria: Invitae Variant Classification Sherloc (09022015). Collection method: clinical testing. Allele origin: germline.
Comment: This variant, c.6935_6937del, results in the deletion of 1 amino acid(s) of the NF1 protein (p.Ala2312del), but otherwise preserves the integrity of the reading frame. This variant is not present in population databases (ExAC no frequency). This variant has not been reported in the literature in individuals with NF1-related conditions. Experimental studies and prediction algorithms are not available or were not evaluated, and the functional significance of this variant is currently unknown. Algorithms developed to predict the effect of sequence changes on RNA splicing suggest that this variant may create or strengthen a splice site, but this prediction has not been confirmed by published transcriptional studies. In summary, the available evidence is currently insufficient to determine the role of this variant in disease. Therefore, it has been classified as a Variant of Uncertain Significance.

NM_001042492.3(NF1):c.6995CAG[1] (p.Ala2333del)

Gene: NF1 (neurofibromin 1; plus strand). Cytogenetic location: 17q11.2.
Variant type: Microsatellite.
Coding change: c.6995CAG[1] on transcript NM_001042492.3 (MANE Select); one copy of the 3-base unit CAG starting at c.6995; the reference has two copies in a row; one copy, 3 bases deleted.
Protein change: p.Ala2333del; deletes alanine 2333.
Molecular consequence: inframe deletion. On other transcripts: inframe indel (1).
Genome position (GRCh38, 1-based): chr17:31,340,581-31,340,583, CAG deleted; deleting any 3 consecutive bases within chr17:31,340,578-31,340,583 gives the same sequence; the position shown is the placement nearest the transcript's 3' end. VCF-style (leftmost placement, unchanged base first): chr17-31340577-TCAG-T. GRCh37 (hg19) VCF-style: chr17-29667595-TCAG-T.
Other names: c.6932_6934CAG[1], p.Ala2312del (NM_000267.4); short protein forms A2312del, A2333del.
Identifiers: ClinVar variation 1056802 (VCV001056802.5), dbSNP rs2151561758, ClinGen allele CA2580614080.